The following is an entry in ClinVar:

NM_013275.6(ANKRD11):c.7801A>C (p.Met2601Leu)

Gene: ANKRD11 (ankyrin repeat domain 11; minus strand). Cytogenetic location: 16q24.3.
Variant type: single nucleotide variant.
Coding change: c.7801A>C on transcript NM_013275.6 (MANE Select); coding-DNA position 7801, A replaced by C.
Protein change: p.Met2601Leu; replaces methionine 2601 with leucine.
Molecular consequence: missense variant.
Genome position (GRCh38, 1-based): chr16:89,270,822, T>G on the plus strand (A>C on the coding strand, the complement: ANKRD11 is on the minus strand). VCF-style: chr16-89270822-T-G. GRCh37 (hg19) VCF-style: chr16-89337230-T-G.
Other names: c.7801A>C (NM_013275.4); c.7801A>C, p.Met2601Leu (NM_001256182.2, NM_001256183.2); short protein forms M2601L.
Identifiers: ClinVar variation 703249 (VCV000703249.14), dbSNP rs767216450, ClinGen allele CA8241014.

ClinVar aggregate classification (germline): Likely benign. Review status: criteria provided, multiple submitters, no conflicts (2 of 4 stars). 4 submissions from 4 submitters: Likely benign (4). Last evaluated 2025-05-11.

Conditions:
Inborn genetic diseases. Identifiers: MedGen C0950123, MeSH D030342.
KBG syndrome (KBGS). Also called: ANKRD11-Related KBG Syndrome. Identifiers: Orphanet 2332, MedGen C0220687, MONDO:0007846, OMIM 148050.
ANKRD11-related disorder. Also called: ANKRD11-related condition.

Allele frequency attached by ClinVar (database versions not stated): ExAC 0.00002; gnomAD 0.00004 and 0.00005; gnomAD exomes 0.00004; TOPMed 0.00008.
gnomAD v4.1: 19 of 1,613,612 alleles (0.0012%); highest among the groups gnomAD compares: Admixed American, 0.025%; no homozygotes.

Submissions (4):

Labcorp Genetics (formerly Invitae), Labcorp
Classification: Likely benign for KBG syndrome. Last evaluated: 2025-05-11. Review status: criteria provided, single submitter. Criteria: Invitae Variant Classification Sherloc (09022015). Collection method: clinical testing. Allele origin: germline.

PreventionGenetics, part of Exact Sciences
Classification: Likely benign for ANKRD11-related condition. Last evaluated: 2025-05-08. Review status: criteria provided, single submitter. Criteria: ACMG Guidelines, 2015. Collection method: clinical testing. Allele origin: germline.
Comment: This variant is classified as likely benign based on ACMG/AMP sequence variant interpretation guidelines (Richards et al. 2015 PMID: 25741868, with internal and published modifications).

Ambry Genetics
Classification: Likely benign for Inborn genetic diseases. Last evaluated: 2025-02-26. Review status: criteria provided, single submitter. Criteria: Ambry Variant Classification Scheme 2023. Collection method: clinical testing. Allele origin: germline.

GeneDx
Classification: Likely benign. Last evaluated: 2020-07-29. Review status: criteria provided, single submitter. Criteria: GeneDx Variant Classification Process June 2021. Collection method: clinical testing. Allele origin: germline. Affected: yes.